The following is an entry in ClinVar:

NM_001372.4(DNAH9):c.12842A>G (p.Lys4281Arg)

Gene: DNAH9 (dynein axonemal heavy chain 9; plus strand). Cytogenetic location: 17p12.
Variant type: single nucleotide variant.
Coding change: c.12842A>G on transcript NM_001372.4 (MANE Select); coding-DNA position 12842, A replaced by G.
Protein change: p.Lys4281Arg; replaces lysine 4281 with arginine.
Molecular consequence: missense variant.
Genome position (GRCh38, 1-based): chr17:11,942,484, A>G. VCF-style: chr17-11942484-A-G. GRCh37 (hg19) VCF-style: chr17-11845801-A-G.
Other names: c.12842A>G (NM_001372.3); c.1778A>G, p.Lys593Arg (NM_004662.2); short protein forms K4281R, K593R.
Identifiers: ClinVar variation 1528478 (VCV001528478.10), dbSNP rs201695575, ClinGen allele CA8398268.

ClinVar aggregate classification (germline): Conflicting classifications of pathogenicity. Review status: criteria provided, conflicting classifications (1 of 4 stars). 3 submissions from 3 submitters: Uncertain significance (2); Benign (1). Last evaluated 2026-01-22.

Conditions:
Inborn genetic diseases. Identifiers: MedGen C0950123, MeSH D030342.

Allele frequency attached by ClinVar (database versions not stated): 1000 Genomes Project 0.00020; gnomAD 0.00032 and 0.00034; 1000 Genomes Project 30x 0.00031; TOPMed 0.00031; ExAC 0.00034; gnomAD exomes 0.00045.
gnomAD v4.1: 459 of 1,613,422 alleles (0.028%); highest among the groups gnomAD compares: Non-Finnish European, 0.011%; no homozygotes.

Submissions (3):

GeneDx
Classification: Uncertain significance. Last evaluated: 2026-01-22. Review status: criteria provided, single submitter. Criteria: GeneDx Variant Classification Process June 2021. Collection method: clinical testing. Allele origin: germline.
Comment: In silico analysis supports that this missense variant has a deleterious effect on protein structure/function; Has not been previously published as pathogenic or benign to our knowledge

Labcorp Genetics (formerly Invitae), Labcorp
Classification: Benign. Last evaluated: 2025-12-01. Review status: criteria provided, single submitter. Criteria: Invitae Variant Classification Sherloc (09022015). Collection method: clinical testing. Allele origin: germline.

Ambry Genetics
Classification: Uncertain significance for Inborn genetic diseases. Last evaluated: 2024-01-03. Review status: criteria provided, single submitter. Criteria: Ambry Variant Classification Scheme 2023. Collection method: clinical testing. Allele origin: germline.